The following is an entry in ClinVar:

ClinVar aggregate classification (germline): not provided (0 of 4 stars; one submission).

Allele frequency attached by ClinVar (database versions not stated): 1000 Genomes Project 30x 0.00031; 1000 Genomes Project 0.00040; TOPMed 0.00060; gnomAD 0.00062 and 0.00063.
gnomAD v4.1: 92 of 152,274 alleles (0.06%); highest among the groups gnomAD compares: African/African-American, 0.22%; no homozygotes.

Submission:

Human Evolutionary Genetics, Institut Pasteur
No classification provided. Review status: no classification provided. Collection method: not provided. Allele origin: germline.
ClinVar note: Converted during submission from untested to not provided.

NM_134444.5(NLRP4):c.2697-194C>G

Gene: NLRP4 (NLR family pyrin domain containing 4; plus strand). Cytogenetic location: 19q13.43.
Variant type: single nucleotide variant.
Coding change: c.2697-194C>G on transcript NM_134444.5 (MANE Select); 194 bases into the intron before coding-DNA position 2697, C replaced by G.
Molecular consequence: intron variant.
Genome position (GRCh38, 1-based): chr19:55,878,600, C>G. VCF-style: chr19-55878600-C-G. GRCh37 (hg19) VCF-style: chr19-56389966-C-G.
Identifiers: ClinVar variation 103225 (VCV000103225.2), dbSNP rs199475753, ClinGen allele CA230281.